The following is an entry in ClinVar:

ClinVar aggregate classification (germline): Conflicting classifications of pathogenicity. Review status: criteria provided, conflicting classifications (1 of 4 stars). 5 submissions from 5 submitters: Uncertain significance (4); Likely benign (1). Last evaluated 2025-10-14.

Conditions:
POLE-related disorder. Also called: POLE-related disorders; POLE-related condition.
Colorectal cancer, susceptibility to, 12 (CRCS12). Also called: COLORECTAL CANCER, SUSCEPTIBILITY TO, ON CHROMOSOME 12q24. Identifiers: Orphanet 220460, MedGen C3554460, MONDO:0014038, OMIM 615083.
Facial dysmorphism-immunodeficiency-livedo-short stature syndrome. Also called: Facial dysmorphism, immunodeficiency, livedo, and short stature; FILS syndrome. Identifiers: Orphanet 352712, MedGen C3554576, MONDO:0014058, OMIM 615139.
Intrauterine growth retardation, metaphyseal dysplasia, adrenal hypoplasia congenita, genital anomalies, and immunodeficiency. Also called: IMAGEI SYNDROME. Identifiers: MedGen C5193036, MONDO:0032684, OMIM 618336.
Hereditary cancer-predisposing syndrome. Also called: Tumor predisposition; Neoplastic Syndromes, Hereditary; Hereditary Cancer Syndrome; Hereditary neoplastic syndrome. Identifiers: Orphanet 140162, MedGen C0027672, MeSH D009386, MONDO:0015356.

Allele frequency attached by ClinVar (database versions not stated): gnomAD 0.00001; gnomAD exomes 0.00001 and 0.00002; ExAC 0.00002; 1000 Genomes Project 30x 0.00016; 1000 Genomes Project 0.00020.
gnomAD v4.1: 21 of 1,613,842 alleles (0.0013%); highest among the groups gnomAD compares: African/African-American, 0.0027%; no homozygotes.

Submissions (5):

Labcorp Genetics (formerly Invitae), Labcorp
Classification: Uncertain significance. Last evaluated: 2025-10-14. Review status: criteria provided, single submitter. Criteria: Invitae Variant Classification Sherloc (09022015). Collection method: clinical testing. Allele origin: germline.
Comment: This sequence change replaces glycine, which is neutral and non-polar, with serine, which is neutral and polar, at codon 2266 of the POLE protein (p.Gly2266Ser). This variant is present in population databases (rs200911338, gnomAD 0.01%). This variant has not been reported in the literature in individuals affected with POLE-related conditions. ClinVar contains an entry for this variant (Variation ID: 240620). Invitae Evidence Modeling of protein sequence and biophysical properties (such as structural, functional, and spatial information, amino acid conservation, physicochemical variation, residue mobility, and thermodynamic stability) indicates that this missense variant is not expected to disrupt POLE protein function with a negative predictive value of 80%. In summary, the available evidence is currently insufficient to determine the role of this variant in disease. Therefore, it has been classified as a Variant of Uncertain Significance.

Ambry Genetics
Classification: Likely benign for Hereditary cancer-predisposing syndrome. Last evaluated: 2025-03-14. Review status: criteria provided, single submitter. Criteria: Ambry Variant Classification Scheme 2023. Collection method: clinical testing. Allele origin: germline.

GeneDx
Classification: Uncertain significance. Last evaluated: 2023-08-27. Review status: criteria provided, single submitter. Criteria: GeneDx Variant Classification Process June 2021. Collection method: clinical testing. Allele origin: germline. Affected: yes.
Comment: Not observed at significant frequency in large population cohorts (gnomAD); In silico analysis supports that this missense variant does not alter protein structure/function; Has not been previously published as pathogenic or benign to our knowledge

PreventionGenetics, part of Exact Sciences
Classification: Uncertain significance for POLE-related condition. Last evaluated: 2023-04-27. Review status: criteria provided, single submitter. Criteria: ACMG Guidelines, 2015. Collection method: clinical testing. Allele origin: germline.
Comment: The POLE c.6796G>A variant is predicted to result in the amino acid substitution p.Gly2266Ser. To our knowledge, this variant has not been reported in the literature. This variant is reported in 0.012% of alleles in individuals of African descent in gnomAD. It is interpreted as uncertain significance in ClinVar. At this time, the clinical significance of this variant is uncertain due to the absence of conclusive functional and genetic evidence.

Fulgent Genetics
Classification: Uncertain significance for Colorectal cancer, susceptibility to, 12; Facial dysmorphism-immunodeficiency-livedo-short stature syndrome; Intrauterine growth retardation, metaphyseal dysplasia, adrenal hypoplasia congenita, genital anomalies, and immunodeficiency. Last evaluated: 2022-04-02. Review status: criteria provided, single submitter. Criteria: ACMG Guidelines, 2015. Collection method: clinical testing. Allele origin: unknown.

NM_006231.4(POLE):c.6796G>A (p.Gly2266Ser)

Gene: POLE (DNA polymerase epsilon, catalytic subunit; minus strand). Cytogenetic location: 12q24.33.
Variant type: single nucleotide variant.
Coding change: c.6796G>A on transcript NM_006231.4 (MANE Select); coding-DNA position 6796, G replaced by A.
Protein change: p.Gly2266Ser; replaces glycine 2266 with serine.
Molecular consequence: missense variant.
Genome position (GRCh38, 1-based): chr12:132,624,762, C>T on the plus strand (G>A on the coding strand, the complement: POLE is on the minus strand). VCF-style: chr12-132624762-C-T. GRCh37 (hg19) VCF-style: chr12-133201348-C-T.
Other names: short protein forms G2266S.
Identifiers: ClinVar variation 240620 (VCV000240620.12), dbSNP rs200911338, ClinGen allele CA6891960.
Genomic context (GRCh38, chr12:132,624,762, plus strand): 5'-GGCCCAGCTGTGGGTTCTTCTGCAGCAGCCACTCCAGGGTCTCCAGGAGGTACGACATGC[C>T]GTAGTGCTGGGCAATGTTCCGGAATATTCCGATCTGTTCCATGAAGACCTGCAGGAATAA-3'
Protein context (NP_006222.2, residues 2256-2276): GIFRNIAQHY[Gly2266Ser]MSYLLETLEW